The following is an entry in ClinVar:

NM_001367624.2(ZNF469):c.1058G>C (p.Gly353Ala)

Gene: ZNF469 (zinc finger protein 469; plus strand). Cytogenetic location: 16q24.2.
Variant type: single nucleotide variant.
Coding change: c.1058G>C on transcript NM_001367624.2 (MANE Select); coding-DNA position 1058, G replaced by C.
Protein change: p.Gly353Ala; replaces glycine 353 with alanine.
Molecular consequence: missense variant.
Genome position (GRCh38, 1-based): chr16:88,428,528, G>C. VCF-style: chr16-88428528-G-C. GRCh37 (hg19) VCF-style: chr16-88494936-G-C.
Other names: NM_001127464.1:c.1058G>C; short protein forms G353A.
Identifiers: ClinVar variation 1306633 (VCV001306633.2), dbSNP rs2142298745, ClinGen allele CA397062936.

ClinVar aggregate classification (germline): Uncertain significance (1 of 4 stars; one submission).

Allele frequency attached by ClinVar (database versions not stated): gnomAD exomes 0.00001.
gnomAD v4.1: 9 of 1,549,952 alleles (0.00058%); highest among the groups gnomAD compares: Non-Finnish European, 0.00078%; no homozygotes.

Submission:

GeneDx
Classification: Uncertain significance. Last evaluated: 2019-06-25. Review status: criteria provided, single submitter. Criteria: GeneDx Variant Classification Process June 2021. Collection method: clinical testing. Allele origin: germline. Affected: yes.
Comment: Not observed in large population cohorts (Lek et al., 2016); In silico analysis, which includes protein predictors and evolutionary conservation, supports that this variant does not alter protein structure/function; Has not been previously published as pathogenic or benign to our knowledge